The following is an entry in ClinVar:

NM_000038.6(APC):c.136-2231A>T

Gene: APC (APC regulator of WNT signaling pathway; plus strand). Cytogenetic location: 5q22.2.
Variant type: single nucleotide variant.
Coding change: c.136-2231A>T on transcript NM_000038.6 (MANE Select); 2231 bases into the intron before coding-DNA position 136, A replaced by T.
Molecular consequence: intron variant.
Genome position (GRCh38, 1-based): chr5:112,764,095, A>T. VCF-style: chr5-112764095-A-T. GRCh37 (hg19) VCF-style: chr5-112099792-A-T.
Other names: c.136-2231A>T (NM_001354895.2, NM_001127510.3, NM_001354896.2 and 2 more transcripts); c.166-2231A>T (NM_001354897.2, NM_001354902.2, NM_001127511.3); c.61-2231A>T (NM_001354898.2, NM_001354904.2); c.-900-2231A>T (NM_001354906.2); c.-42-2231A>T (NM_001354900.2, NM_001354901.2, NM_001354905.2).
Identifiers: ClinVar variation 82387 (VCV000082387.2), dbSNP rs74625414, ClinGen allele CA004571.

ClinVar aggregate classification (germline): other (0 of 4 stars; one submission).

Conditions:
Familial colorectal cancer. Identifiers: MedGen CN280943, MONDO:0023113. Disease mechanism: loss of function.

Submission:

Systems Biology Platform Zhejiang California International NanoSystems Institute
Classification: other for Familial colorectal cancer. Review status: no assertion criteria provided. Collection method: not provided. Allele origin: unknown.
ClinVar note: Converted during submission from cancer to other.